The following is an entry in ClinVar:

NM_005993.5(TBCD):c.562C>T (p.Arg188Cys)

Gene: TBCD (tubulin folding cofactor D). Cytogenetic location: 17q25.3.
Variant type: single nucleotide variant.
Coding change: c.562C>T on transcript NM_005993.5 (MANE Select); coding-DNA position 562, C replaced by T.
Protein change: p.Arg188Cys; replaces arginine 188 with cysteine.
Molecular consequence: missense variant.
Genome position (GRCh38, 1-based): chr17:82,768,546, C>T. VCF-style: chr17-82768546-C-T. GRCh37 (hg19) VCF-style: chr17-80726422-C-T.
Other names: short protein forms R188C.
Identifiers: ClinVar variation 1405317 (VCV001405317.5), dbSNP rs558681233, ClinGen allele CA8861650.
Genomic context (GRCh38, chr17:82,768,546, plus strand): 5'-TCTCGCCTTGACGGGAACCTCCTCACCCAGCCTGGGCAAGCACGAATGTCCATAATGGAC[C>T]GTATTCTCCAAATAGCAGAGGTAAATATCATGCAGATAATTAGCTGCTAATTAGTACTCA-3'
Protein context (NP_005984.3, residues 178-198): PGQARMSIMD[Arg188Cys]ILQIAESYLI

ClinVar aggregate classification (germline): Uncertain significance (1 of 4 stars; one submission).

Allele frequency attached by ClinVar (database versions not stated): gnomAD exomes 0.00001; gnomAD 0.00002; TOPMed 0.00003.
gnomAD v4.1: 20 of 1,613,788 alleles (0.0012%); highest among the groups gnomAD compares: Middle Eastern, 0.016%; no homozygotes.

Submission:

Labcorp Genetics (formerly Invitae), Labcorp
Classification: Uncertain significance. Last evaluated: 2022-08-09. Review status: criteria provided, single submitter. Criteria: Invitae Variant Classification Sherloc (09022015). Collection method: clinical testing. Allele origin: germline.
Comment: This sequence change replaces arginine, which is basic and polar, with cysteine, which is neutral and slightly polar, at codon 188 of the TBCD protein (p.Arg188Cys). This variant is present in population databases (rs558681233, gnomAD 0.005%). This variant has not been reported in the literature in individuals affected with TBCD-related conditions. ClinVar contains an entry for this variant (Variation ID: 1405317). Algorithms developed to predict the effect of missense changes on protein structure and function are either unavailable or do not agree on the potential impact of this missense change (SIFT: "Deleterious"; PolyPhen-2: "Probably Damaging"; Align-GVGD: "Class C0"). In summary, the available evidence is currently insufficient to determine the role of this variant in disease. Therefore, it has been classified as a Variant of Uncertain Significance.